The following is an entry in ClinVar:

NM_001692.4(ATP6V1B1):c.1055A>G (p.Asn352Ser)

Gene: ATP6V1B1 (ATPase H+ transporting V1 subunit B1; plus strand). Cytogenetic location: 2p13.3.
Variant type: single nucleotide variant.
Coding change: c.1055A>G on transcript NM_001692.4 (MANE Select); coding-DNA position 1055, A replaced by G.
Protein change: p.Asn352Ser; replaces asparagine 352 with serine.
Molecular consequence: missense variant.
Genome position (GRCh38, 1-based): chr2:70,963,307, A>G. VCF-style: chr2-70963307-A-G. GRCh37 (hg19) VCF-style: chr2-71190437-A-G.
Other names: short protein forms N352S.
Identifiers: ClinVar variation 3907922 (VCV003907922.1).
Genomic context (GRCh38, chr2:70,963,307, plus strand): 5'-CGGGCCGCGTGGAGGGTCGGGGAGGATCCATCACACAGATCCCCATCCTCACCATGCCCA[A>G]CGACGGTAGCCTCCTCACAGCCCACTACCCTCCAGAGCTCCCCTGTCCTCCCTTTTCCAA-3'
Protein context (NP_001683.2, residues 342-362): ITQIPILTMP[Asn352Ser]DDITHPIPDL

ClinVar aggregate classification (germline): Uncertain significance (1 of 4 stars; one submission).

gnomAD v4.1: 11 of 1,612,884 alleles (0.00068%); highest among the groups gnomAD compares: Non-Finnish European, 0.00085%; no homozygotes.

Submission:

GeneDx
Classification: Uncertain significance. Last evaluated: 2024-12-27. Review status: criteria provided, single submitter. Criteria: GeneDx Variant Classification Process June 2021. Collection method: clinical testing. Allele origin: germline. Affected: yes.
Comment: Not observed at significant frequency in large population cohorts (gnomAD); In silico analysis supports that this missense variant has a deleterious effect on protein structure/function; Has not been previously published as pathogenic or benign to our knowledge